The following is an entry in ClinVar:

ClinVar aggregate classification (germline): Conflicting classifications of pathogenicity. Review status: criteria provided, conflicting classifications (1 of 4 stars). 5 submissions from 5 submitters: Uncertain significance (4); Likely benign (1). Last evaluated 2024-02-15.

Conditions:
LAMA2-related muscular dystrophy (LAMA2-RD). Also called: Laminin alpha 2-related dystrophy. Identifiers: MedGen C5679788, MONDO:0100228.

Allele frequency attached by ClinVar (database versions not stated): gnomAD 0.00003; ESP Exome Variant Server 0.00008; 1000 Genomes Project 30x 0.00016; 1000 Genomes Project 0.00020.
gnomAD v4.1: 124 of 1,611,788 alleles (0.0077%); highest among the groups gnomAD compares: Middle Eastern, 0.017%; no homozygotes.

Submissions (5):

Mayo Clinic Laboratories, Mayo Clinic
Classification: Uncertain significance. Last evaluated: 2024-02-15. Review status: criteria provided, single submitter. Criteria: ACMG Guidelines, 2015. Collection method: clinical testing. Allele origin: germline. Observed: 1 variant allele.

Blueprint Genetics
Classification: Likely benign. Last evaluated: 2024-02-13. Review status: criteria provided, single submitter. Criteria: ACMG Guidelines, 2015. Collection method: clinical testing. Allele origin: germline.

Women's Health and Genetics/Laboratory Corporation of America, LabCorp
Classification: Uncertain significance. Last evaluated: 2024-01-11. Review status: criteria provided, single submitter. Criteria: LabCorp Variant Classification Summary - May 2015. Collection method: clinical testing. Allele origin: germline.

Labcorp Genetics (formerly Invitae), Labcorp
Classification: Uncertain significance for LAMA2-related muscular dystrophy. Last evaluated: 2022-06-23. Review status: criteria provided, single submitter. Criteria: Invitae Variant Classification Sherloc (09022015). Collection method: clinical testing. Allele origin: germline.
Comment: This sequence change falls in intron 32 of the LAMA2 gene. It does not directly change the encoded amino acid sequence of the LAMA2 protein. It affects a nucleotide within the consensus splice site. This variant is present in population databases (rs200898063, gnomAD 0.009%). This variant has not been reported in the literature in individuals affected with LAMA2-related conditions. ClinVar contains an entry for this variant (Variation ID: 543872). Variants that disrupt the consensus splice site are a relatively common cause of aberrant splicing (PMID: 17576681, 9536098). Algorithms developed to predict the effect of sequence changes on RNA splicing suggest that this variant may disrupt the consensus splice site. In summary, the available evidence is currently insufficient to determine the role of this variant in disease. Therefore, it has been classified as a Variant of Uncertain Significance.

GeneDx
Classification: Uncertain significance. Last evaluated: 2022-05-14. Review status: criteria provided, single submitter. Criteria: GeneDx Variant Classification Process June 2021. Collection method: clinical testing. Allele origin: germline. Affected: yes.
Comment: Not observed at significant frequency in large population cohorts (gnomAD); In-silico analysis is inconclusive as to whether the variant alters gene splicing. In the absence of RNA/functional studies, the actual effect of this sequence change is unknown.; Has not been previously published as pathogenic or benign to our knowledge

Literature cited by the submitters: PubMed 17576681 (cited by Labcorp Genetics (formerly Invitae), Labcorp); PubMed 9536098 (cited by Labcorp Genetics (formerly Invitae), Labcorp).

NM_000426.4(LAMA2):c.4717+4C>T

Gene: LAMA2 (laminin subunit alpha 2; plus strand). Cytogenetic location: 6q22.33.
Variant type: single nucleotide variant.
Coding change: c.4717+4C>T on transcript NM_000426.4 (MANE Select); 4 bases into the intron after coding-DNA position 4717, C replaced by T.
Molecular consequence: intron variant.
Genome position (GRCh38, 1-based): chr6:129,353,361, C>T. VCF-style: chr6-129353361-C-T. GRCh37 (hg19) VCF-style: chr6-129674506-C-T.
Other names: p.?; c.4717+4C>T (NM_001079823.2).
Identifiers: ClinVar variation 543872 (VCV000543872.9), dbSNP rs200898063, ClinGen allele CA3993639.